The following is an entry in ClinVar:

NM_000051.4(ATM):c.7052A>G (p.Glu2351Gly)

Genes: ATM (ATM serine/threonine kinase; plus strand), C11orf65 (chromosome 11 open reading frame 65; minus strand). Cytogenetic location: 11q22.3.
Variant type: single nucleotide variant.
Coding change: c.7052A>G on transcript NM_000051.4 (MANE Select); coding-DNA position 7052, A replaced by G.
Protein change: p.Glu2351Gly; replaces glutamic acid 2351 with glycine.
Molecular consequence: missense variant. On other transcripts: intron variant (2).
Genome position (GRCh38, 1-based): chr11:108,327,721, A>G. VCF-style: chr11-108327721-A-G. GRCh37 (hg19) VCF-style: chr11-108198448-A-G.
Other names: c.7052A>G, p.Glu2351Gly (NM_001351834.2); c.641-18650T>C (NM_001330368.2); c.*38+7499T>C (NM_001351110.2); short protein forms E2351G.
Identifiers: ClinVar variation 654442 (VCV000654442.10), dbSNP rs1591142696, ClinGen allele CA382558969.

ClinVar aggregate classification (germline): Uncertain significance. Review status: criteria provided, multiple submitters, no conflicts (2 of 4 stars). 2 submissions from 2 submitters: Uncertain significance (2). Last evaluated 2024-02-27.

Conditions:
Familial cancer of breast. Also called: Hereditary breast cancer; BREAST CANCER, FAMILIAL; hereditary breast carcinoma. Identifiers: Orphanet 227535, MedGen C0346153, MONDO:0016419, OMIM 114480. Disease mechanism: loss of function.
Ataxia-telangiectasia syndrome (AT). Also called: Ataxia-telangiectasia, complementation group D; AT, COMPLEMENTATION GROUP C; ATAXIA-TELANGIECTASIA, COMPLEMENTATION GROUP A; ATAXIA-TELANGIECTASIA, FRESNO VARIANT; Ataxia-telangiectasia; LOUIS-BAR SYNDROME. Identifiers: Orphanet 100, MedGen C0004135, MONDO:0008840, OMIM 208900.

Submissions (2):

Labcorp Genetics (formerly Invitae), Labcorp
Classification: Uncertain significance for Ataxia-telangiectasia syndrome. Last evaluated: 2024-02-27. Review status: criteria provided, single submitter. Criteria: Invitae Variant Classification Sherloc (09022015). Collection method: clinical testing. Allele origin: germline.
Comment: This sequence change replaces glutamic acid, which is acidic and polar, with glycine, which is neutral and non-polar, at codon 2351 of the ATM protein (p.Glu2351Gly). This variant is not present in population databases (gnomAD no frequency). This variant has not been reported in the literature in individuals affected with ATM-related conditions. ClinVar contains an entry for this variant (Variation ID: 654442). An algorithm developed to predict the effect of missense changes on protein structure and function (PolyPhen-2) suggests that this variant is likely to be disruptive. In summary, the available evidence is currently insufficient to determine the role of this variant in disease. Therefore, it has been classified as a Variant of Uncertain Significance.

St. Jude Molecular Pathology, St. Jude Children's Research Hospital
Classification: Uncertain significance for Familial cancer of breast. Last evaluated: 2024-01-31. Review status: criteria provided, single submitter. Criteria: St. Jude Assertion Criteria 2020. Collection method: clinical testing. Allele origin: germline.
Comment: The ATM c.7052A>G (p.Glu2351Gly) missense change is absent in gnomAD v2.1.1. The in silico tool REVEL predicts a deleterious effect on protein function, but to our knowledge this prediction has not been confirmed by functional studies. To our knowledge, this variant has not been reported in individuals with ataxia telangiectasia. In summary, the evidence currently available is insufficient to determine the clinical significance of this variant. It has therefore been classified as of uncertain significance.